The following is an entry in ClinVar:

ClinVar aggregate classification (germline): Uncertain significance (1 of 4 stars; one submission).

Allele frequency attached by ClinVar (database versions not stated): gnomAD 0.00002; TOPMed 0.00003; ExAC 0.00004.
gnomAD v4.1: 65 of 1,613,156 alleles (0.004%); highest among the groups gnomAD compares: Non-Finnish European, 0.0053%; no homozygotes.

Submission:

Labcorp Genetics (formerly Invitae), Labcorp
Classification: Uncertain significance. Last evaluated: 2026-01-24. Review status: criteria provided, single submitter. Criteria: Invitae Variant Classification Sherloc (09022015). Collection method: clinical testing. Allele origin: germline.
Comment: This sequence change replaces serine, which is neutral and polar, with asparagine, which is neutral and polar, at codon 342 of the DSCAML1 protein (p.Ser342Asn). This variant is present in population databases (rs768736109, gnomAD 0.005%). This variant has not been reported in the literature in individuals affected with DSCAML1-related conditions. ClinVar contains an entry for this variant (Variation ID: 2166327). An algorithm developed to predict the effect of missense changes on protein structure and function (PolyPhen-2) suggests that this variant is likely to be tolerated. In summary, the available evidence is currently insufficient to determine the role of this variant in disease. Therefore, it has been classified as a Variant of Uncertain Significance.

NM_020693.4(DSCAML1):c.845G>A (p.Ser282Asn)

Gene: DSCAML1 (DS cell adhesion molecule like 1; minus strand). Cytogenetic location: 11q23.3.
Variant type: single nucleotide variant.
Coding change: c.845G>A on transcript NM_020693.4 (MANE Select); coding-DNA position 845, G replaced by A.
Protein change: p.Ser282Asn; replaces serine 282 with asparagine.
Molecular consequence: missense variant.
Genome position (GRCh38, 1-based): chr11:117,524,897, C>T on the plus strand (G>A on the coding strand, the complement: DSCAML1 is on the minus strand). VCF-style: chr11-117524897-C-T. GRCh37 (hg19) VCF-style: chr11-117395612-C-T.
Other names: c.845G>A, p.Ser282Asn (NM_001367904.1); c.437G>A, p.Ser146Asn (NM_001367905.1); short protein forms S146N, S282N.
Identifiers: ClinVar variation 2166327 (VCV002166327.4), dbSNP rs768736109, ClinGen allele CA6297438.
Genomic context (GRCh38, chr11:117,524,897, plus strand): 5'-GAACCGAAGGTGTTGGTGACCTCACAAATGTAGGTGCCGCTGTCCTCGGTCCGCAAGTCG[C>T]TGATGGTCAGCCCTGTGATGCGCTTGGTCCAGCGGCTGTCAGCCGGGAGGGGCCGGCCAT-3'
Protein context (NP_065744.3, residues 272-292): WTKRITGLTI[Ser282Asn]DLRTEDSGTY